The following is an entry in ClinVar:

ClinVar aggregate classification (germline): Pathogenic. Review status: reviewed by expert panel (3 of 4 stars). 4 submissions from 4 submitters: Pathogenic (1). 3 of the submissions do not count toward it. Last evaluated 2025-06-03.

Conditions:
Autosomal recessive limb-girdle muscular dystrophy. Identifiers: Orphanet 102015, MedGen C2931907, MONDO:0015152.
Autosomal recessive limb-girdle muscular dystrophy type 2A (LGMDR1). Also called: LEYDEN-MOEBIUS MUSCULAR DYSTROPHY; MUSCULAR DYSTROPHY, PELVOFEMORAL; Muscular dystrophy, limb-girdle, type 2A, Amish; Limb-girdle muscular dystrophy, type 2A; Calpainopathy. Identifiers: Orphanet 267, MedGen C1869123, MONDO:0009675, OMIM 253600. Disease mechanism: loss of function.

Submissions (4):

ClinGen Limb Girdle Muscular Dystrophy Variant Curation Expert Panel, ClinGen
Classification: Pathogenic for Autosomal recessive limb-girdle muscular dystrophy. Last evaluated: 2025-06-03. Review status: reviewed by expert panel. Criteria: ClinGen LGMD VCEP ACMG Specifications CAPN3 V1.0.0. Collection method: curation. Allele origin: germline. Inheritance: Autosomal recessive inheritance.
Comment: The NM_000070.3: c.1115+5G>C variant in CAPN3 occurs in the splice donor region of intron 8 and is predicted to disrupt the splice donor site, with a SpliceAI score of 0.83. It is also predicted to disrupt the splice acceptor site of exon 8, with a SpliceAI score of 0.70. RNAseq analysis demonstrated this variant results in skipping of exon 8, which is expected to disrupt the reading frame and introduce a premature stop codon, leading to nonsense mediated decay in a gene in which loss of function is an established mechanism of disease (PMID: 32646536; PVS1_RNA). This variant has been reported in one individual with progressive muscle weakness, elevated CK and a myopathic muscle biopsy (PP4), where it was observed in trans with a variant of uncertain significance (PMID: 32646536; PM3_Supporting not met). This variant is absent from gnomAD v.4.1.0 (PM2_Supporting). In summary, this variant meets the criteria to be classified as Pathogenic for autosomal recessive limb girdle muscular dystrophy based on the ACMG/AMP criteria applied, as specified by the ClinGen LGMD VCEP (LGMD VCEP specifications version 1.0.0; 06/03/2025): PVS1_RNA, PP4, PM2_Supporting.

Natera, Inc.
Classification: Likely pathogenic for Limb-girdle muscular dystrophy type 2A. Last evaluated: 2026-01-08. Review status: criteria provided, single submitter. Criteria: Natera Variant Classification Schema (03/2026). Collection method: clinical testing. Allele origin: germline. Not counted in ClinVar's aggregate classification.
Comment: The c.1115+5G>C variant in CAPN3 is an intronic variant located outside the canonical splice sites. This variant is rare in the general population with a frequency below the threshold expected for the associated phenotype(s). This variant has been observed in one or more individuals affected with the associated recessive disease, as either homozygous or compound heterozygous with a second variant (PMID: 40237364). Functional studies show that this variant may disrupt protein function (PMID: 32646536). Computational prediction algorithms indicate this variant is likely to affect gene or protein function. Given the available evidence, this variant is classified as Likely Pathogenic.

Labcorp Genetics (formerly Invitae), Labcorp
Classification: Likely pathogenic for Autosomal recessive limb-girdle muscular dystrophy type 2A. Last evaluated: 2024-05-20. Review status: criteria provided, single submitter. Criteria: Invitae Variant Classification Sherloc (09022015). Collection method: clinical testing. Allele origin: germline. Not counted in ClinVar's aggregate classification.
Comment: This sequence change falls in intron 8 of the CAPN3 gene. It does not directly change the encoded amino acid sequence of the CAPN3 protein. RNA analysis indicates that this variant induces altered splicing and may result in an absent or disrupted protein product. This variant is not present in population databases (gnomAD no frequency). This variant has been observed in individual(s) with autosomal recessive limb-girdle muscular dystrophy (PMID: 32646536). ClinVar contains an entry for this variant (Variation ID: 265521). Variants that disrupt the consensus splice site are a relatively common cause of aberrant splicing (PMID: 17576681, 9536098). Studies have shown that this variant results in skipping of exon 8 and introduces a premature termination codon (PMID: 32646536). The resulting mRNA is expected to undergo nonsense-mediated decay. In summary, the currently available evidence indicates that the variant is pathogenic, but additional data are needed to prove that conclusively. Therefore, this variant has been classified as Likely Pathogenic.

GeneDx
Classification: Likely pathogenic. Last evaluated: 2015-12-18. Review status: criteria provided, single submitter. Criteria: GeneDx Variant Classification (06012015). Collection method: clinical testing. Allele origin: germline. Affected: yes. Not counted in ClinVar's aggregate classification.
Comment: The c.1115+5 G>C variant has not been published as a pathogenic variant, nor has it been reported as a benign variant to our knowledge. It was not observed in approximately 6,500 individuals of European and African American ancestry in the NHLBI Exome Sequencing Project, indicating it is not a common benign variant in these populations. The c.1115+5 G>C variant damages or destroys the natural splice donor site of intron 8 and is predicted to cause abnormal gene splicing, either leading to an abnormal message that is subject to nonsense-mediated mRNA decay, or to an abnormal protein product if the message is used for protein translation. Other splice site variants have been reported in the CAPN3 gene in association with LGMD2A (Stenson et al., 2014).

Literature cited by the submitters: PubMed 40237364 (cited by Natera, Inc.); PubMed 32646536 (cited by Natera, Inc. and Labcorp Genetics (formerly Invitae), Labcorp); PubMed 17576681 (cited by Labcorp Genetics (formerly Invitae), Labcorp); PubMed 9536098 (cited by Labcorp Genetics (formerly Invitae), Labcorp).

NM_000070.3(CAPN3):c.1115+5G>C

Gene: CAPN3 (calpain 3; plus strand). Cytogenetic location: 15q15.1.
Variant type: single nucleotide variant.
Coding change: c.1115+5G>C on transcript NM_000070.3 (MANE Select); 5 bases into the intron after coding-DNA position 1115, G replaced by C.
Molecular consequence: intron variant.
Genome position (GRCh38, 1-based): chr15:42,394,346, G>C. VCF-style: chr15-42394346-G-C. GRCh37 (hg19) VCF-style: chr15-42686544-G-C.
Other names: c.1115+5G>C (NM_024344.2); c.971+5G>C (NM_173087.2).
Identifiers: ClinVar variation 265521 (VCV000265521.11), dbSNP rs886039597, ClinGen allele CA10588583.